The following is an entry in ClinVar:

NM_001903.5(CTNNA1):c.120A>G (p.Val40=)

Gene: CTNNA1 (catenin alpha 1; plus strand). Cytogenetic location: 5q31.2.
Variant type: single nucleotide variant.
Coding change: c.120A>G on transcript NM_001903.5 (MANE Select); coding-DNA position 120, A replaced by G.
Protein change: p.Val40=; no amino-acid change (valine 40 retained).
Molecular consequence: synonymous variant. On other transcripts: 5 prime UTR variant (1), intron variant (1).
Genome position (GRCh38, 1-based): chr5:138,783,191, A>G. VCF-style: chr5-138783191-A-G. GRCh37 (hg19) VCF-style: chr5-138118880-A-G.
Other names: c.120A>G (NM_001903.2); c.120A>G, p.Val40= (NM_001290307.3, NM_001323982.2, NM_001323983.1 and 3 more transcripts); c.-87A>G (NM_001290310.3); c.-9+1162A>G (NM_001290309.3).
Identifiers: ClinVar variation 1583425 (VCV001583425.10), dbSNP rs1580983970, ClinGen allele CA446725061.

ClinVar aggregate classification (germline): Benign/Likely benign. Review status: criteria provided, multiple submitters, no conflicts (2 of 4 stars). 3 submissions from 3 submitters: Benign (1); Likely benign (2). Last evaluated 2024-10-09.

Conditions:
Hereditary cancer-predisposing syndrome. Also called: Neoplastic Syndromes, Hereditary; Hereditary neoplastic syndrome; Hereditary Cancer Syndrome; Tumor predisposition. Identifiers: Orphanet 140162, MedGen C0027672, MeSH D009386, MONDO:0015356.
Hereditary diffuse gastric adenocarcinoma (HDGC). Also called: DIFFUSE GASTRIC AND LOBULAR BREAST CANCER SYNDROME. Identifiers: Orphanet 26106, MedGen C1708349, MONDO:0007648, OMIM 137215.

Submissions (3):

Myriad Genetics, Inc.
Classification: Benign for Hereditary diffuse gastric adenocarcinoma. Last evaluated: 2024-10-09. Review status: criteria provided, single submitter. Criteria: Myriad Autosomal Dominant, Autosomal Recessive and X-Linked Classification Criteria (2023). Collection method: clinical testing. Allele origin: unknown.
Comment: This variant is considered benign. This variant is a silent/synonymous amino acid change and it is not expected to impact splicing.

Ambry Genetics
Classification: Likely benign for Hereditary cancer-predisposing syndrome. Last evaluated: 2023-07-26. Review status: criteria provided, single submitter. Criteria: Ambry Variant Classification Scheme 2023. Collection method: clinical testing. Allele origin: germline.

Labcorp Genetics (formerly Invitae), Labcorp
Classification: Likely benign. Last evaluated: 2021-08-18. Review status: criteria provided, single submitter. Criteria: Invitae Variant Classification Sherloc (09022015). Collection method: clinical testing. Allele origin: germline.